The following is an entry in ClinVar:

NM_017777.4(MKS1):c.565G>T (p.Glu189Ter)

Gene: MKS1 (MKS transition zone complex subunit 1; minus strand). Cytogenetic location: 17q22.
Variant type: single nucleotide variant.
Coding change: c.565G>T on transcript NM_017777.4 (MANE Select); coding-DNA position 565, G replaced by T.
Protein change: p.Glu189Ter; replaces glutamic acid 189 with a stop codon.
Molecular consequence: nonsense. On other transcripts: 5 prime UTR variant (1).
Genome position (GRCh38, 1-based): chr17:58,214,338, C>A on the plus strand (G>T on the coding strand, the complement: MKS1 is on the minus strand). VCF-style: chr17-58214338-C-A. GRCh37 (hg19) VCF-style: chr17-56291699-C-A.
Other names: c.-45G>T (NM_001321268.2); c.565G>T, p.Glu189Ter (NM_001321269.2, NM_001330397.2, NM_001411113.1); short protein forms E189*.
Identifiers: ClinVar variation 4815913 (VCV004815913.1).
Genomic context (GRCh38, chr17:58,214,338, plus strand): 5'-CTGCCATGATGTGCATTGTCTGAAGAGGGGTGTTAATGACGTGGTTGTTCCTGACAAACT[C>A]TTCTGAGGGCTCCCAGGTGACGATGCGTGACTTGAGGATGCCGCCCTCCCTGGGAGACAC-3'

ClinVar aggregate classification (germline): Likely pathogenic (1 of 4 stars; one submission).

Conditions:
Meckel syndrome, type 1 (MKS1). Also called: MECKEL-GRUBER SYNDROME, TYPE 1. Identifiers: Orphanet 564, MedGen C3714506, MONDO:0009571, OMIM 249000.

Submission:

Natera, Inc.
Classification: Likely pathogenic for Meckel syndrome type 1. Last evaluated: 2024-07-09. Review status: criteria provided, single submitter. Criteria: Natera Variant Classification Schema (03/2026). Collection method: clinical testing. Allele origin: germline.
Comment: The c.565G>T variant in MKS1 is a nonsense variant predicted to introduce a stop codon at amino acid 189. This variant is expected to result in nonsense mediated decay, truncation, or a dysfunctional protein product. This variant is rare in the general population with a frequency below the threshold expected for the associated phenotype(s). Given the available evidence, this variant is classified as Likely Pathogenic.